The following is an entry in ClinVar:

NM_198253.3(TERT):c.3001A>T (p.Ile1001Phe)

Gene: TERT (telomerase reverse transcriptase; minus strand). Cytogenetic location: 5p15.33.
Variant type: single nucleotide variant.
Coding change: c.3001A>T on transcript NM_198253.3 (MANE Select); coding-DNA position 3001, A replaced by T.
Protein change: p.Ile1001Phe; replaces isoleucine 1001 with phenylalanine.
Molecular consequence: missense variant. On other transcripts: non-coding transcript variant (2).
Genome position (GRCh38, 1-based): chr5:1,258,629, T>A on the plus strand (A>T on the coding strand, the complement: TERT is on the minus strand). VCF-style: chr5-1258629-T-A. GRCh37 (hg19) VCF-style: chr5-1258744-T-A.
Other names: c.2812A>T, p.Ile938Phe (NM_001193376.3); c.3001A>T, p.Ile1001Phe (NM_003219.1); short protein forms I938F, I1001F.
Identifiers: ClinVar variation 1798701 (VCV001798701.2), dbSNP rs1747930001, ClinGen allele CA359068882.

ClinVar aggregate classification (germline): Uncertain significance (1 of 4 stars; one submission).

Conditions:
Dyskeratosis congenita. Identifiers: Orphanet 1775, MedGen C0265965, MONDO:0015780.

Submission:

Ambry Genetics
Classification: Uncertain significance for Dyskeratosis congenita. Last evaluated: 2022-09-26. Review status: criteria provided, single submitter. Criteria: Ambry Variant Classification Scheme 2023. Collection method: clinical testing. Allele origin: germline.
Comment: The p.I1001F variant (also known as c.3001A>T), located in coding exon 13 of the TERT gene, results from an A to T substitution at nucleotide position 3001. The isoleucine at codon 1001 is replaced by phenylalanine, an amino acid with highly similar properties. This amino acid position is conserved. In addition, this alteration is predicted to be tolerated by in silico analysis. Since supporting evidence is limited at this time, the clinical significance of this alteration remains unclear.